The following is an entry in ClinVar:

ClinVar aggregate classification (germline): Pathogenic/Likely pathogenic. Review status: criteria provided, multiple submitters, no conflicts (2 of 4 stars). 5 submissions from 5 submitters: Pathogenic (1); Likely pathogenic (4). Last evaluated 2026-09-09.

Conditions:
SLC4A11-related disorder. Also called: SLC4A11-related condition.
Corneal dystrophy-perceptive deafness syndrome (CDPD). Also called: CORNEAL DYSTROPHY AND SENSORINEURAL DEAFNESS; HARBOYAN SYNDROME. Identifiers: Orphanet 1490, MedGen C1857572, MONDO:0009015, OMIM 217400.
Corneal dystrophy, Fuchs endothelial, 4 (FECD4). Identifiers: Orphanet 98974, MedGen C2750450, MONDO:0013204, OMIM 613268.
Congenital hereditary endothelial dystrophy of cornea. Also called: Congenital hereditary endothelial dystrophy of the cornea; Maumenee corneal dystrophy; Corneal endothelial dystrophy, autosomal recessive; Congenital hereditary endothelial dystrophy type II; CORNEAL DYSTROPHY, CONGENITAL HEREDITARY ENDOTHELIAL. Identifiers: Orphanet 293603, MedGen C1857569, MONDO:0009019, OMIM 217700.

Allele frequency attached by ClinVar (database versions not stated): gnomAD exomes 0.00001 and 0.00002; ExAC 0.00002; ESP Exome Variant Server 0.00008; gnomAD 0.00008 and 0.00009; TOPMed 0.00012.
gnomAD v4.1: 25 of 1,611,894 alleles (0.0016%); highest among the groups gnomAD compares: African/African-American, 0.029%; no homozygotes.

Submissions (5):

PreventionGenetics, part of Exact Sciences
Classification: Likely pathogenic for SLC4A11-related condition. Last evaluated: 2026-09-09. Review status: criteria provided, single submitter. Criteria: ACMG Guidelines, 2015. Collection method: clinical testing. Allele origin: germline.
Comment: The SLC4A11 c.2606+1G>A variant is predicted to disrupt the GT donor site and interfere with normal splicing. This variant has been reported in an individual with a pediatric sensorineural hearing loss phenotype who was positive for a second pathogenic variant in SLC4A11 (presumably compound heterozygous) (Subject 2, Clay et al. 2024. PubMed ID: 38450295). This variant is reported in 0.025% of alleles in individuals of African descent in gnomAD. Variants that disrupt the consensus splice donor site in SLC4A11 are expected to be pathogenic. This variant is interpreted as likely pathogenic.

Natera, Inc.
Classification: Likely pathogenic for Corneal dystrophy-perceptive deafness syndrome. Last evaluated: 2025-09-12. Review status: criteria provided, single submitter. Criteria: Natera Variant Classification Schema (03/2026). Collection method: clinical testing. Allele origin: germline.
Comment: The c.2606+1G>A variant in SLC4A11 is a canonical splice donor site variant predicted to affect pre-mRNA splicing, which may result in an abnormal transcript and altered protein product. This variant is expected to result in nonsense mediated decay, truncation, or a dysfunctional protein product. This variant is rare in the general population with a frequency below the threshold expected for the associated phenotype(s). This variant has been observed in one or more individuals affected with the associated recessive disease, as either homozygous or compound heterozygous with a second variant (PMID: 38450295). Given the available evidence, this variant is classified as Likely Pathogenic.

Labcorp Genetics (formerly Invitae), Labcorp
Classification: Pathogenic. Last evaluated: 2025-08-15. Review status: criteria provided, single submitter. Criteria: Invitae Variant Classification Sherloc (09022015). Collection method: clinical testing. Allele origin: germline.
Comment: This sequence change affects a donor splice site in intron 18 of the SLC4A11 gene. While this variant is not anticipated to result in nonsense mediated decay, it likely alters RNA splicing and results in a disrupted protein product. This variant is present in population databases (rs371909885, gnomAD 0.03%). Disruption of this splice site has been observed in individual(s) with clinical features of corneal endothelial dystrophy and perceptive deafness (internal data). In at least one individual the data is consistent with being in trans (on the opposite chromosome) from a pathogenic variant. ClinVar contains an entry for this variant (Variation ID: 1504281). Variants that disrupt the consensus splice site are a relatively common cause of aberrant splicing (PMID: 17576681, 9536098). Algorithms developed to predict the effect of sequence changes on RNA splicing suggest that this variant may disrupt the consensus splice site. This variant disrupts a region of the SLC4A11 protein in which other variant(s) (p.Arg875*) have been determined to be pathogenic (PMID: 17679935, 31420327). This suggests that this is a clinically significant region of the protein, and that variants that disrupt it are likely to be disease-causing. For these reasons, this variant has been classified as Pathogenic.

Fulgent Genetics
Classification: Likely pathogenic for Corneal dystrophy-perceptive deafness syndrome; Congenital hereditary endothelial dystrophy of cornea; Corneal dystrophy, Fuchs endothelial, 4. Last evaluated: 2024-05-08. Review status: criteria provided, single submitter. Criteria: ACMG Guidelines, 2015. Collection method: clinical testing. Allele origin: germline.

Blueprint Genetics
Classification: Likely pathogenic for SLC4A11-related disorders. Last evaluated: 2024-04-12. Review status: criteria provided, single submitter. Criteria: ACMG Guidelines, 2015. Collection method: clinical testing. Allele origin: germline. Affected: yes. Observed: 3 variant alleles.

Literature cited by the submitters: PubMed 38450295 (cited by Natera, Inc.); PubMed 17576681 (cited by Labcorp Genetics (formerly Invitae), Labcorp); PubMed 9536098 (cited by Labcorp Genetics (formerly Invitae), Labcorp); PubMed 17679935 (cited by Labcorp Genetics (formerly Invitae), Labcorp); PubMed 31420327 (cited by Labcorp Genetics (formerly Invitae), Labcorp).

NM_001174089.2(SLC4A11):c.2558+1G>A

Gene: SLC4A11 (solute carrier family 4 member 11; minus strand). Cytogenetic location: 20p13.
Variant type: single nucleotide variant.
Coding change: c.2558+1G>A on transcript NM_001174089.2 (MANE Select); the canonical splice donor site of the intron after coding-DNA position 2558, G replaced by A.
Molecular consequence: splice donor variant.
Genome position (GRCh38, 1-based): chr20:3,228,258, C>T on the plus strand (G>A on the coding strand, the complement: SLC4A11 is on the minus strand). VCF-style: chr20-3228258-C-T. GRCh37 (hg19) VCF-style: chr20-3208904-C-T.
Other names: c.2501+1G>A (NM_001400277.1, NM_001400278.1, NM_001400279.1); c.2444+1G>A (NM_001363745.2); c.2573+1G>A (NM_001400280.1); c.2687+1G>A (NM_001174090.2); c.2606+1G>A (NM_032034.4, NM_032034.3).
Identifiers: ClinVar variation 1504281 (VCV001504281.9), dbSNP rs371909885, ClinGen allele CA9741435.